The following is an entry in ClinVar:

ClinVar aggregate classification (germline): Uncertain significance. Review status: criteria provided, multiple submitters, no conflicts (2 of 4 stars). 3 submissions from 3 submitters: Uncertain significance (3). Last evaluated 2025-05-28.

Conditions:
Inborn genetic diseases. Identifiers: MedGen C0950123, MeSH D030342.
Charcot-Marie-Tooth disease type 4. Also called: Charcot-Marie-Tooth disease, type IV; Charcot-Marie-Tooth, Type 4. Identifiers: Orphanet 64749, MedGen C4082197, MONDO:0018995.
PRX-related disorder. Also called: PRX-Related Disorders; PRX-related condition.

Allele frequency attached by ClinVar (database versions not stated): TOPMed 0.00001.
gnomAD v4.1: 32 of 1,611,056 alleles (0.002%); highest among the groups gnomAD compares: Non-Finnish European, 0.0027%; no homozygotes.

Submissions (3):

PreventionGenetics, part of Exact Sciences
Classification: Uncertain significance for PRX-related condition. Last evaluated: 2025-05-28. Review status: criteria provided, single submitter. Criteria: ACMG Guidelines, 2015. Collection method: clinical testing. Allele origin: germline.
Comment: The PRX c.4048C>T variant is predicted to result in the amino acid substitution p.Pro1350Ser. To our knowledge, this variant has not been reported in the literature. This variant is reported in 0.0028% of alleles in individuals of European (Non-Finnish) descent in gnomAD. At this time, the clinical significance of this variant is uncertain due to the absence of conclusive functional and genetic evidence.

Labcorp Genetics (formerly Invitae), Labcorp
Classification: Uncertain significance for Charcot-Marie-Tooth disease type 4. Last evaluated: 2022-07-01. Review status: criteria provided, single submitter. Criteria: Invitae Variant Classification Sherloc (09022015). Collection method: clinical testing. Allele origin: germline.
Comment: This sequence change replaces proline, which is neutral and non-polar, with serine, which is neutral and polar, at codon 1350 of the PRX protein (p.Pro1350Ser). This variant is present in population databases (rs771104050, gnomAD 0.003%). This variant has not been reported in the literature in individuals affected with PRX-related conditions. Algorithms developed to predict the effect of missense changes on protein structure and function output the following: SIFT: "Tolerated"; PolyPhen-2: "Possibly Damaging"; Align-GVGD: "Class C15". The serine amino acid residue is found in multiple mammalian species, which suggests that this missense change does not adversely affect protein function. In summary, the available evidence is currently insufficient to determine the role of this variant in disease. Therefore, it has been classified as a Variant of Uncertain Significance.

Ambry Genetics
Classification: Uncertain significance for Inborn genetic diseases. Last evaluated: 2021-10-12. Review status: criteria provided, single submitter. Criteria: Ambry Variant Classification Scheme 2023. Collection method: clinical testing. Allele origin: germline.
Comment: The p.P1350S variant (also known as c.4048C>T), located in coding exon 4 of the PRX gene, results from a C to T substitution at nucleotide position 4048. The proline at codon 1350 is replaced by serine, an amino acid with similar properties. This amino acid position is conserved. In addition, this alteration is predicted to be tolerated by in silico analysis. Since supporting evidence is limited at this time, the clinical significance of this alteration remains unclear.

NM_181882.3(PRX):c.4048C>T (p.Pro1350Ser)

Gene: PRX (periaxin; minus strand). Cytogenetic location: 19q13.2.
Variant type: single nucleotide variant.
Coding change: c.4048C>T on transcript NM_181882.3 (MANE Select); coding-DNA position 4048, C replaced by T.
Protein change: p.Pro1350Ser; replaces proline 1350 with serine.
Molecular consequence: missense variant. On other transcripts: 3 prime UTR variant (1).
Genome position (GRCh38, 1-based): chr19:40,394,304, G>A on the plus strand (C>T on the coding strand, the complement: PRX is on the minus strand). VCF-style: chr19-40394304-G-A. GRCh37 (hg19) VCF-style: chr19-40900211-G-A.
Other names: c.4333C>T, p.Pro1445Ser (NM_001411127.1); c.*4253C>T (NM_020956.2); short protein forms P1350S, P1445S.
Identifiers: ClinVar variation 1737332 (VCV001737332.5), dbSNP rs771104050, ClinGen allele CA9443715.